The following is an entry in ClinVar:

ClinVar aggregate classification (germline): Uncertain significance. Review status: criteria provided, multiple submitters, no conflicts (2 of 4 stars). 4 submissions from 4 submitters: Uncertain significance (4). Last evaluated 2025-08-15.

Conditions:
Juvenile myelomonocytic leukemia (JMML). Also called: LEUKEMIA, JUVENILE MYELOMONOCYTIC, SOMATIC. Identifiers: Orphanet 86834, MedGen C0349639, MONDO:0011908, OMIM 607785, HP:0012209.
Neurofibromatosis, type 1 (NF1). Also called: Peripheral type neurofibromatosis; Neurofibromatosis, type I; VON RECKLINGHAUSEN DISEASE; NEUROFIBROMATOSIS, TYPE I, SOMATIC. Identifiers: Orphanet 636, MedGen C0027831, MONDO:0018975, OMIM 162200. Disease mechanism: loss of function.

Submissions (4):

Institute for Genomic Medicine (IGM) Clinical Laboratory, Nationwide Children's Hospital
Classification: Uncertain significance for Neurofibromatosis, type 1. Last evaluated: 2025-08-15. Review status: criteria provided, single submitter. Criteria: ACMG Guidelines, 2015. Collection method: clinical testing. Allele origin: germline.
Comment: This variant is absent from or present at an exceedingly low frequency in gnomAD, a large-scale control population database (ACMG/AMP: PM2). This variant occurs in a gene with a low rate of benign missense variation, in which missense alterations are a common mechanism of disease (ACMG/AMP: PP2). This variant is predicted to be tolerated by multiple in silico tools (ACMG/AMP: BP4).

Baylor Genetics
Classification: Uncertain significance for Juvenile myelomonocytic leukemia. Last evaluated: 2023-09-13. Review status: criteria provided, single submitter. Criteria: ACMG Guidelines, 2015. Collection method: clinical testing. Allele origin: unknown.

Labcorp Genetics (formerly Invitae), Labcorp
Classification: Uncertain significance for Neurofibromatosis, type 1. Last evaluated: 2023-01-07. Review status: criteria provided, single submitter. Criteria: Invitae Variant Classification Sherloc (09022015). Collection method: clinical testing. Allele origin: germline.
Comment: In summary, the available evidence is currently insufficient to determine the role of this variant in disease. Therefore, it has been classified as a Variant of Uncertain Significance. Advanced modeling of protein sequence and biophysical properties (such as structural, functional, and spatial information, amino acid conservation, physicochemical variation, residue mobility, and thermodynamic stability) performed at Invitae indicates that this missense variant is not expected to disrupt NF1 protein function. ClinVar contains an entry for this variant (Variation ID: 1337711). This variant has not been reported in the literature in individuals affected with NF1-related conditions. This variant is not present in population databases (gnomAD no frequency). This sequence change replaces asparagine, which is neutral and polar, with aspartic acid, which is acidic and polar, at codon 746 of the NF1 protein (p.Asn746Asp).

Genetic Services Laboratory, University of Chicago
Classification: Uncertain significance. Last evaluated: 2020-08-25. Review status: criteria provided, single submitter. Criteria: ACMG Guidelines, 2015. Collection method: clinical testing. Allele origin: germline. Affected: no.
Comment: DNA sequence analysis of the NF1 gene demonstrated a sequence change, c.2236A>G, in exon 18 that results in an amino acid change, p.Asn746Asp. This sequence change does not appear to have been previously described in patients with NF1-related disorders and has also not been described in population databases (gnomAD, ExAC). The p.Asn746Asp change affects a moderately conserved amino acid residue located in a domain of the NF1 protein that is known to be functional. The p.Asn746Asp substitution appears to be benign using several in-silico pathogenicity prediction tools (SIFT, PolyPhen2, Align GVGD, REVEL). Due to these contrasting evidences and the lack of functional studies, the clinical significance of the p.Asn746Asp change remains unknown at this time.

NM_001042492.3(NF1):c.2236A>G (p.Asn746Asp)

Gene: NF1 (neurofibromin 1; plus strand). Cytogenetic location: 17q11.2.
Variant type: single nucleotide variant.
Coding change: c.2236A>G on transcript NM_001042492.3 (MANE Select); coding-DNA position 2236, A replaced by G.
Protein change: p.Asn746Asp; replaces asparagine 746 with aspartic acid.
Molecular consequence: missense variant.
Genome position (GRCh38, 1-based): chr17:31,226,669, A>G. VCF-style: chr17-31226669-A-G. GRCh37 (hg19) VCF-style: chr17-29553687-A-G.
Other names: c.2236A>G, p.Asn746Asp (NM_000267.4); short protein forms N746D.
Identifiers: ClinVar variation 1337711 (VCV001337711.9), dbSNP rs2151426135, ClinGen allele CA398982559.